The following is an entry in ClinVar:

NC_000004.11:g.(?_16077290)_(16077529_?)dup

Gene: PROM1 (prominin 1; minus strand). Cytogenetic location: 4p15.32.
Variant type: Duplication.
Identifiers: ClinVar variation 3246745 (VCV003246745.1).

ClinVar aggregate classification (germline): Uncertain significance (1 of 4 stars; one submission).

Submission:

Labcorp Genetics (formerly Invitae), Labcorp
Classification: Uncertain significance. Last evaluated: 2023-09-22. Review status: criteria provided, single submitter. Criteria: Invitae Variant Classification Sherloc (09022015). Collection method: clinical testing. Allele origin: unknown.
Comment: This variant results in a copy number gain of the genomic region encompassing exon(s) 1 of the PROM1 gene. This region includes the initiator codon of the gene. This copy number gain extends beyond the assayed region for this gene and therefore may encompass additional genes. As the precise location of this event is unknown, it may be in tandem or it may be located elsewhere in the genome. This variant has not been reported in the literature in individuals affected with PROM1-related conditions. Experimental studies and prediction algorithms are not available or were not evaluated, and the functional significance of this variant is currently unknown. In summary, the available evidence is currently insufficient to determine the role of this variant in disease. Therefore, it has been classified as a Variant of Uncertain Significance.